The following is an entry in ClinVar:

ClinVar aggregate classification (germline): Uncertain significance (1 of 4 stars; one submission).

Submission:

GeneDx
Classification: Uncertain significance. Last evaluated: 2025-06-25. Review status: criteria provided, single submitter. Criteria: GeneDx Variant Classification Process June 2021. Collection method: clinical testing. Allele origin: germline. Affected: yes.
Comment: Not observed at significant frequency in large population cohorts (gnomAD); In silico analysis supports that this missense variant has a deleterious effect on protein structure/function; Has not been previously published as pathogenic or benign to our knowledge

NM_173477.5(USH1G):c.428C>A (p.Ala143Glu)

Gene: USH1G (USH1 protein network component sans; minus strand). Cytogenetic location: 17q25.1.
Variant type: single nucleotide variant.
Coding change: c.428C>A on transcript NM_173477.5 (MANE Select); coding-DNA position 428, C replaced by A.
Protein change: p.Ala143Glu; replaces alanine 143 with glutamic acid.
Molecular consequence: missense variant.
Genome position (GRCh38, 1-based): chr17:74,920,408, G>T on the plus strand (C>A on the coding strand, the complement: USH1G is on the minus strand). VCF-style: chr17-74920408-G-T. GRCh37 (hg19) VCF-style: chr17-72916503-G-T.
Other names: c.119C>A, p.Ala40Glu (NM_001282489.3); short protein forms A143E, A40E.
Identifiers: ClinVar variation 4540121 (VCV004540121.1).